The following is an entry in ClinVar:

NM_032888.4(COL27A1):c.5208G>A (p.Thr1736=)

Gene: COL27A1 (collagen type XXVII alpha 1 chain; plus strand). Cytogenetic location: 9q32.
Variant type: single nucleotide variant.
Coding change: c.5208G>A on transcript NM_032888.4 (MANE Select); coding-DNA position 5208, G replaced by A.
Protein change: p.Thr1736=; no amino-acid change (threonine 1736 retained).
Molecular consequence: synonymous variant.
Genome position (GRCh38, 1-based): chr9:114,307,769, G>A. VCF-style: chr9-114307769-G-A. GRCh37 (hg19) VCF-style: chr9-117070049-G-A.
Identifiers: ClinVar variation 1155041 (VCV001155041.32), dbSNP rs563579546, ClinGen allele CA5203330.

ClinVar aggregate classification (germline): Likely benign. Review status: criteria provided, multiple submitters, no conflicts (2 of 4 stars). 2 submissions from 2 submitters: Likely benign (2). Last evaluated 2025-11-18.

Allele frequency attached by ClinVar (database versions not stated): TOPMed below 0.00001; ExAC 0.00003; gnomAD 0.00003 and 0.00004; gnomAD exomes 0.00004; 1000 Genomes Project 30x 0.00016; 1000 Genomes Project 0.00020.
gnomAD v4.1: 67 of 1,612,436 alleles (0.0042%); highest among the groups gnomAD compares: East Asian, 0.013%; no homozygotes.

Submissions (2):

Labcorp Genetics (formerly Invitae), Labcorp
Classification: Likely benign. Last evaluated: 2025-11-18. Review status: criteria provided, single submitter. Criteria: Invitae Variant Classification Sherloc (09022015). Collection method: clinical testing. Allele origin: germline.

CeGaT Center for Human Genetics Tuebingen
Classification: Likely benign. Last evaluated: 2022-04-01. Review status: criteria provided, single submitter. Criteria: CeGaT Center For Human Genetics Tuebingen Variant Classification Criteria Version 2. Collection method: clinical testing. Allele origin: germline. Affected: yes. Observed: 1 variant allele.
Comment: COL27A1: BP4, BP7